The following is an entry in ClinVar:

ClinVar aggregate classification (germline): Likely benign (1 of 4 stars; one submission).

Conditions:
STRA6-related disorder. Also called: STRA6-related condition.

gnomAD v4.1: 1 of 1,613,900 alleles (0.000062%); highest among the groups gnomAD compares: Admixed American, 0.0017%; no homozygotes.

Submission:

PreventionGenetics, part of Exact Sciences
Classification: Likely benign for STRA6-related condition. Last evaluated: 2025-02-12. Review status: criteria provided, single submitter. Criteria: ACMG Guidelines, 2015. Collection method: clinical testing. Allele origin: germline.
Comment: This variant is classified as likely benign based on ACMG/AMP sequence variant interpretation guidelines (Richards et al. 2015 PMID: 25741868, with internal and published modifications).

NM_022369.4(STRA6):c.1143G>A (p.Leu381=)

Genes: STRA6 (signaling receptor and transporter of retinol STRA6; minus strand), LOC126862177 (CDK7 strongly-dependent group 2 enhancer GRCh37_chr15:74476518-74477717; plus strand). Cytogenetic location: 15q24.1.
Variant type: single nucleotide variant.
Coding change: c.1143G>A on transcript NM_022369.4 (MANE Select); coding-DNA position 1143, G replaced by A.
Protein change: p.Leu381=; no amino-acid change (leucine 381 retained).
Molecular consequence: synonymous variant.
Genome position (GRCh38, 1-based): chr15:74,185,003, C>T on the plus strand (G>A on the coding strand, the complement: STRA6 is on the minus strand). VCF-style: chr15-74185003-C-T. GRCh37 (hg19) VCF-style: chr15-74477344-C-T.
Other names: c.1143G>A, p.Leu381= (NM_001142617.2, NM_001142618.2, NM_001437994.1); c.1116G>A, p.Leu372= (NM_001142619.2); c.1254G>A, p.Leu418= (NM_001199040.2); c.1188G>A, p.Leu396= (NM_001199041.2); c.1260G>A, p.Leu420= (NM_001199042.2).
Identifiers: ClinVar variation 5001772 (VCV005001772.1).